The following is an entry in ClinVar:

ClinVar aggregate classification (germline): Uncertain significance (1 of 4 stars; one submission).

Conditions:
Inborn genetic diseases. Identifiers: MedGen C0950123, MeSH D030342.

Allele frequency attached by ClinVar (database versions not stated): gnomAD 0.00001; TOPMed 0.00001.

Submission:

Ambry Genetics
Classification: Uncertain significance for Inborn genetic diseases. Last evaluated: 2026-08-18. Review status: criteria provided, single submitter. Criteria: Ambry Variant Classification Scheme 2023. Collection method: clinical testing. Allele origin: germline.
Comment: The c.1147A>G (p.R383G) alteration is located in exon 14 (coding exon 14) of the MYBPC1 gene. This alteration results from a A to G substitution at nucleotide position 1147, causing the arginine (R) at amino acid position 383 to be replaced by a glycine (G). Based on data from gnomAD, the G allele has an overall frequency of <0.001% (1/251446) total alleles studied. The highest observed frequency was 0.001% (1/113724) of European (non-Finnish) alleles. Based on insufficient or conflicting evidence, the clinical significance of this alteration remains unclear.

NM_002465.4(MYBPC1):c.1147A>G (p.Arg383Gly)

Genes: MYBPC1 (myosin binding protein C1; plus strand), LOC105369937 (uncharacterized LOC105369937; minus strand). Cytogenetic location: 12q23.2.
Variant type: single nucleotide variant.
Coding change: c.1147A>G on transcript NM_002465.4 (MANE Select); coding-DNA position 1147, A replaced by G.
Protein change: p.Arg383Gly; replaces arginine 383 with glycine.
Molecular consequence: missense variant.
Genome position (GRCh38, 1-based): chr12:101,648,101, A>G. VCF-style: chr12-101648101-A-G. GRCh37 (hg19) VCF-style: chr12-102041879-A-G.
Other names: c.1072A>G, p.Arg358Gly (NM_001254718.3, NM_001254719.3, NM_206820.4 and 1 more transcripts); c.1036A>G, p.Arg346Gly (NM_001254720.3); c.1015A>G, p.Arg339Gly (NM_001254721.3, NM_001404676.1, NM_001404678.1); c.994A>G, p.Arg332Gly (NM_001254722.3, NM_001404680.1); c.1033A>G, p.Arg345Gly (NM_001254723.3); c.1147A>G, p.Arg383Gly (NM_001404675.1, NM_206819.4); c.937A>G, p.Arg313Gly (NM_001404677.1, NM_001404679.1, NM_001404681.1); short protein forms R313G, R358G, R383G, R332G, R339G, R345G, R346G.
Identifiers: ClinVar variation 2527278 (VCV002527278.3), dbSNP rs1480941516, ClinGen allele CA386281647.
Genomic context (GRCh38, chr12:101,648,101, plus strand): 5'-CTAGAGCCTCCAATTATGGTGACCAAACAGCTGGAAGATACAACTGCTTATTGTGGGGAG[A>G]GAGTGGAATTAGAATGTGAGGTGTCTGAAGATGATGCCAATGTAAAATGGTAAATAGCCT-3'
Protein context (NP_002456.2, residues 373-393): LEDTTAYCGE[Arg383Gly]VELECEVSED